The following is an entry in ClinVar:

ClinVar aggregate classification (germline): Benign. Review status: criteria provided, single submitter (1 of 4 stars). 2 submissions from 2 submitters: Benign (1). 1 of the submissions does not count toward it. Last evaluated 2019-12-31.

Conditions:
TMEM135-related disorder. Also called: TMEM135-related condition.

Allele frequency attached by ClinVar (database versions not stated): gnomAD exomes 0.00034 and 0.00096; ExAC 0.00123; 1000 Genomes Project 30x 0.00312; 1000 Genomes Project 0.00319; gnomAD 0.00405 and 0.00434; ESP Exome Variant Server 0.00415; TOPMed 0.00459.
gnomAD v4.1: 1,158 of 1,613,858 alleles (0.072%); highest among the groups gnomAD compares: African/African-American, 1.3%; 5 homozygotes.

Submissions (2):

Labcorp Genetics (formerly Invitae), Labcorp
Classification: Benign. Last evaluated: 2019-12-31. Review status: criteria provided, single submitter. Criteria: Invitae Variant Classification Sherloc (09022015). Collection method: clinical testing. Allele origin: germline.

PreventionGenetics, part of Exact Sciences
Classification: Benign for TMEM135-related condition. Last evaluated: 2019-08-14. Review status: no assertion criteria provided. Collection method: clinical testing. Allele origin: germline. Not counted in ClinVar's aggregate classification.
Comment: This variant is classified as benign based on ACMG/AMP sequence variant interpretation guidelines (Richards et al. 2015 PMID: 25741868, with internal and published modifications).

NM_022918.4(TMEM135):c.607T>C (p.Tyr203His)

Gene: TMEM135 (transmembrane protein 135; plus strand). Cytogenetic location: 11q14.2.
Variant type: single nucleotide variant.
Coding change: c.607T>C on transcript NM_022918.4 (MANE Select); coding-DNA position 607, T replaced by C.
Protein change: p.Tyr203His; replaces tyrosine 203 with histidine.
Molecular consequence: missense variant. On other transcripts: non-coding transcript variant (1).
Genome position (GRCh38, 1-based): chr11:87,302,351, T>C. VCF-style: chr11-87302351-T-C. GRCh37 (hg19) VCF-style: chr11-87013393-T-C.
Other names: c.541T>C, p.Tyr181His (NM_001168724.2); short protein forms Y181H, Y203H.
Identifiers: ClinVar variation 726086 (VCV000726086.6), dbSNP rs35073361, ClinGen allele CA6218883.